The following is an entry in ClinVar:

NM_001379500.1(COL18A1):c.2113C>T (p.Pro705Ser)

Gene: COL18A1 (collagen type XVIII alpha 1 chain; plus strand). Cytogenetic location: 21q22.3.
Variant type: single nucleotide variant.
Coding change: c.2113C>T on transcript NM_001379500.1 (MANE Select); coding-DNA position 2113, C replaced by T.
Protein change: p.Pro705Ser; replaces proline 705 with serine.
Molecular consequence: missense variant.
Genome position (GRCh38, 1-based): chr21:45,491,270, C>T. VCF-style: chr21-45491270-C-T. GRCh37 (hg19) VCF-style: chr21-46911184-C-T.
Other names: NM_130445.2:c.2113C>T; c.2653C>T, p.Pro885Ser (NM_030582.4); c.3358C>T, p.Pro1120Ser (NM_130444.3); short protein forms P1120S, P885S, P705S.
Identifiers: ClinVar variation 1366503 (VCV001366503.7), dbSNP rs765760874, ClinGen allele CA10066807.
Genomic context (GRCh38, chr21:45,491,270, plus strand): 5'-GGCCTCCTCTTCCAGGGAGATCCAGGGAAGGACGGAGTCGGGCAGCCGGGCCTCCCTGGC[C>T]CCCCCGGACCCCCGGGACCTGTGGTCTACGTGTCGGAGCAGGACGTAAGGACGCTGCGTG-3'
Protein context (NP_001366429.1, residues 695-715): DGVGQPGLPG[Pro705Ser]PGPPGPVVYV

ClinVar aggregate classification (germline): Uncertain significance. Review status: criteria provided, multiple submitters, no conflicts (2 of 4 stars). 2 submissions from 2 submitters: Uncertain significance (2). Last evaluated 2025-07-21.

gnomAD v4.1: 4 of 1,612,222 alleles (0.00025%); highest among the groups gnomAD compares: South Asian, 0.0022%; no homozygotes.

Submissions (2):

Labcorp Genetics (formerly Invitae), Labcorp
Classification: Uncertain significance. Last evaluated: 2025-07-21. Review status: criteria provided, single submitter. Criteria: Invitae Variant Classification Sherloc (09022015). Collection method: clinical testing. Allele origin: germline.
Comment: This sequence change replaces proline, which is neutral and non-polar, with serine, which is neutral and polar, at codon 705 of the COL18A1 protein (p.Pro705Ser). This variant is present in population databases (rs765760874, gnomAD 0.0009%). This variant has not been reported in the literature in individuals affected with COL18A1-related conditions. ClinVar contains an entry for this variant (Variation ID: 1366503). Experimental studies and prediction algorithms are not available or were not evaluated, and the functional significance of this variant is currently unknown. In summary, the available evidence is currently insufficient to determine the role of this variant in disease. Therefore, it has been classified as a Variant of Uncertain Significance.

GeneDx
Classification: Uncertain significance. Last evaluated: 2025-04-14. Review status: criteria provided, single submitter. Criteria: GeneDx Variant Classification Process June 2021. Collection method: clinical testing. Allele origin: germline. Affected: yes.
Comment: Not observed at significant frequency in large population cohorts (gnomAD); In silico analysis supports that this missense variant has a deleterious effect on protein structure/function; Has not been previously published as pathogenic or benign to our knowledge